The following is an entry in ClinVar:

NM_005251.3(FOXC2):c.813C>A (p.Ser271Arg)

Gene: FOXC2 (forkhead box C2; plus strand). Cytogenetic location: 16q24.1.
Variant type: single nucleotide variant.
Coding change: c.813C>A on transcript NM_005251.3 (MANE Select); coding-DNA position 813, C replaced by A.
Protein change: p.Ser271Arg; replaces serine 271 with arginine.
Molecular consequence: missense variant.
Genome position (GRCh38, 1-based): chr16:86,568,148, C>A. VCF-style: chr16-86568148-C-A. GRCh37 (hg19) VCF-style: chr16-86601754-C-A.
Other names: short protein forms S271R.
Identifiers: ClinVar variation 3373152 (VCV003373152.1).
Genomic context (GRCh38, chr16:86,568,148, plus strand): 5'-CCCCGACGGCTCGCTGCCGGAGCACCACGCCGCGGCGCCCAACGGGCTGCCTGGCTTCAG[C>A]GTGGAGAACATCATGACCCTGCGAACGTCGCCGCCGGGCGGAGAGCTGAGCCCGGGGGCC-3'
Protein context (NP_005242.1, residues 261-281): AAAPNGLPGF[Ser271Arg]VENIMTLRTS

ClinVar aggregate classification (germline): Uncertain significance (1 of 4 stars; one submission).

Submission:

GeneDx
Classification: Uncertain significance. Last evaluated: 2024-04-24. Review status: criteria provided, single submitter. Criteria: GeneDx Variant Classification Process June 2021. Collection method: clinical testing. Allele origin: germline. Affected: yes.
Comment: Not observed at significant frequency in large population cohorts (gnomAD); In silico analysis supports that this missense variant has a deleterious effect on protein structure/function; Has not been previously published as pathogenic or benign to our knowledge